The following is an entry in ClinVar:

ClinVar aggregate classification (germline): Likely pathogenic (1 of 4 stars; one submission).

Conditions:
Methylmalonic aciduria due to complete methylmalonyl-CoA mutase deficiency.

Submission:

Natera, Inc.
Classification: Likely pathogenic for Methylmalonic aciduria due to complete methylmalonyl-CoA mutase deficiency. Last evaluated: 2025-02-11. Review status: criteria provided, single submitter. Criteria: Natera Variant Classification Schema (03/2026). Collection method: clinical testing. Allele origin: germline.
Comment: The c.427C>T variant in MMUT is a missense variant predicted to cause substitution of histidine to tyrosine at amino acid 143. This variant is rare in the general population with a frequency below the threshold expected for the associated phenotype(s). This variant has been observed in one or more individuals affected with the associated recessive disease, as either homozygous or compound heterozygous with a second variant (PMID: 17113806). This variant has been identified in one or more affected individuals with a phenotype highly consistent with the associated gene (PMID: 17113806). Computational prediction algorithms indicate this variant is likely to affect gene or protein function. Given the available evidence, this variant is classified as Likely Pathogenic.

Literature cited by the submitters: PubMed 17113806.

NM_000255.4(MMUT):c.427C>T (p.His143Tyr)

Gene: MMUT (methylmalonyl-CoA mutase; minus strand). Cytogenetic location: 6p12.3.
Variant type: single nucleotide variant.
Coding change: c.427C>T on transcript NM_000255.4 (MANE Select); coding-DNA position 427, C replaced by T.
Protein change: p.His143Tyr; replaces histidine 143 with tyrosine.
Molecular consequence: missense variant.
Genome position (GRCh38, 1-based): chr6:49,458,017, G>A on the plus strand (C>T on the coding strand, the complement: MMUT is on the minus strand). VCF-style: chr6-49458017-G-A. GRCh37 (hg19) VCF-style: chr6-49425730-G-A.
Other names: short protein forms H143Y.
Identifiers: ClinVar variation 4818004 (VCV004818004.1).